The following is an entry in ClinVar:

ClinVar aggregate classification (germline): Uncertain significance (1 of 4 stars; one submission).

Conditions:
Atrial fibrillation, familial, 11 (ATFB11). Identifiers: MedGen C3279693, MONDO:0013544, OMIM 614049.
Atrial standstill 1 (ATRST1). Also called: ATRIAL CARDIOMYOPATHY WITH HEART BLOCK; CARDIOMYOPATHY, FAMILIAL, WITH CONDUCTION DISTURBANCE; Atrial standstill, digenic (GJA5/SCN5A). Identifiers: Orphanet 1344, MedGen C4551959, MONDO:0007171, OMIM 108770.

Submission:

Labcorp Genetics (formerly Invitae), Labcorp
Classification: Uncertain significance for Atrial fibrillation, familial, 11; Atrial standstill 1. Last evaluated: 2025-12-23. Review status: criteria provided, single submitter. Criteria: Invitae Variant Classification Sherloc (09022015). Collection method: clinical testing. Allele origin: germline.
Comment: This sequence change replaces glycine, which is neutral and non-polar, with alanine, which is neutral and non-polar, at codon 119 of the GJA5 protein (p.Gly119Ala). This variant is not present in population databases (gnomAD no frequency). This variant has not been reported in the literature in individuals affected with GJA5-related conditions. Invitae Evidence Modeling of protein sequence and biophysical properties (such as structural, functional, and spatial information, amino acid conservation, physicochemical variation, residue mobility, and thermodynamic stability) indicates that this missense variant is not expected to disrupt GJA5 protein function with a negative predictive value of 80%. In summary, the available evidence is currently insufficient to determine the role of this variant in disease. Therefore, it has been classified as a Variant of Uncertain Significance.

NM_181703.4(GJA5):c.356G>C (p.Gly119Ala)

Gene: GJA5 (gap junction protein alpha 5; minus strand). Cytogenetic location: 1q21.2.
Variant type: single nucleotide variant.
Coding change: c.356G>C on transcript NM_181703.4 (MANE Select); coding-DNA position 356, G replaced by C.
Protein change: p.Gly119Ala; replaces glycine 119 with alanine.
Molecular consequence: missense variant.
Genome position (GRCh38, 1-based): chr1:147,758,883, C>G on the plus strand (G>C on the coding strand, the complement: GJA5 is on the minus strand). VCF-style: chr1-147758883-C-G. GRCh37 (hg19) VCF-style: chr1-147230991-C-G.
Other names: c.356G>C, p.Gly119Ala (NM_005266.7); short protein forms G119A.
Identifiers: ClinVar variation 4793229 (VCV004793229.1).